The following is an entry in ClinVar:

ClinVar aggregate classification (germline): Uncertain significance. Review status: criteria provided, multiple submitters, no conflicts (2 of 4 stars). 2 submissions from 2 submitters: Uncertain significance (2). Last evaluated 2025-08-24.

Conditions:
Inborn genetic diseases. Identifiers: MedGen C0950123, MeSH D030342.

Submissions (2):

Labcorp Genetics (formerly Invitae), Labcorp
Classification: Uncertain significance. Last evaluated: 2025-08-24. Review status: criteria provided, single submitter. Criteria: Invitae Variant Classification Sherloc (09022015). Collection method: clinical testing. Allele origin: germline.
Comment: This sequence change replaces proline, which is neutral and non-polar, with alanine, which is neutral and non-polar, at codon 456 of the MBD4 protein (p.Pro456Ala). This variant is not present in population databases (gnomAD no frequency). This variant has not been reported in the literature in individuals affected with MBD4-related conditions. ClinVar contains an entry for this variant (Variation ID: 3870921). An algorithm developed to predict the effect of missense changes on protein structure and function (PolyPhen-2) suggests that this variant is likely to be disruptive. In summary, the available evidence is currently insufficient to determine the role of this variant in disease. Therefore, it has been classified as a Variant of Uncertain Significance.

Ambry Genetics
Classification: Uncertain significance for Inborn genetic diseases. Last evaluated: 2025-02-02. Review status: criteria provided, single submitter. Criteria: Ambry Variant Classification Scheme 2023. Collection method: clinical testing. Allele origin: germline.
Comment: The p.P450A variant (also known as c.1348C>G), located in coding exon 5 of the MBD4 gene, results from a C to G substitution at nucleotide position 1348. The proline at codon 450 is replaced by alanine, an amino acid with highly similar properties. This amino acid position is conserved. In addition, this alteration is predicted to be deleterious by in silico analysis. Based on the available evidence, the clinical significance of this variant remains unclear.

NM_001276270.2(MBD4):c.1348C>G (p.Pro450Ala)

Gene: MBD4 (methyl-CpG binding domain 4, DNA glycosylase; minus strand). Cytogenetic location: 3q21.3.
Variant type: single nucleotide variant.
Coding change: c.1348C>G on transcript NM_001276270.2 (MANE Select); coding-DNA position 1348, C replaced by G.
Protein change: p.Pro450Ala; replaces proline 450 with alanine.
Molecular consequence: missense variant.
Genome position (GRCh38, 1-based): chr3:129,433,895, G>C on the plus strand (C>G on the coding strand, the complement: MBD4 is on the minus strand). VCF-style: chr3-129433895-G-C. GRCh37 (hg19) VCF-style: chr3-129152738-G-C.
Other names: c.1366C>G, p.Pro456Ala (NM_001276271.2, NM_001276272.2, NM_003925.3); c.412C>G, p.Pro138Ala (NM_001276273.2); short protein forms P138A, P450A, P456A.
Identifiers: ClinVar variation 3870921 (VCV003870921.2).